The following is an entry in ClinVar:

NM_000535.7(PMS2):c.1096G>T (p.Asp366Tyr)

Gene: PMS2 (PMS1 homolog 2, mismatch repair system component; minus strand). Cytogenetic location: 7p22.1.
Variant type: single nucleotide variant.
Coding change: c.1096G>T on transcript NM_000535.7 (MANE Select); coding-DNA position 1096, G replaced by T.
Protein change: p.Asp366Tyr; replaces aspartic acid 366 with tyrosine.
Molecular consequence: missense variant. On other transcripts: non-coding transcript variant (1), intron variant (10).
Genome position (GRCh38, 1-based): chr7:5,989,848, C>A on the plus strand (G>T on the coding strand, the complement: PMS2 is on the minus strand). VCF-style: chr7-5989848-C-A. GRCh37 (hg19) VCF-style: chr7-6029479-C-A.
Other names: c.691G>T, p.Asp231Tyr (NM_001322003.2, NM_001322004.2, NM_001322005.2 and 16 more transcripts); c.778G>T, p.Asp260Tyr (NM_001322007.2, NM_001322008.2, NM_001406876.1 and 2 more transcripts); c.163G>T, p.Asp55Tyr (NM_001322011.2, NM_001322012.2); c.523G>T, p.Asp175Tyr (NM_001322013.2, NM_001406909.1); c.1096G>T, p.Asp366Tyr (NM_001322014.2, NM_001406871.1, NM_001406872.1); c.787G>T, p.Asp263Tyr (NM_001322015.2, NM_001406875.1, NM_001406877.1 and 5 more transcripts); c.1282G>T, p.Asp428Tyr (NM_001406866.1); c.1120G>T, p.Asp374Tyr (NM_001406868.1); and 13 more; short protein forms D175Y, D195Y, D263Y, D300Y, D231Y, D260Y, D330Y, D244Y.
Identifiers: ClinVar variation 4667596 (VCV004667596.1).
Genomic context (GRCh38, chr7:5,989,848, plus strand): 5'-TATTTTTCTTACCTTCAACATCCAGCAGTGGCTGCTGACTGACATTTAGCTTGTTGACAT[C>A]ACTATCAAACATTCCTATCAAAGAGGTCTTTAAAACTGCCAACAAAAGCTTTTCCTCTTG-3'
Protein context (NP_000526.2, residues 356-376): KTSLIGMFDS[Asp366Tyr]VNKLNVSQQP

ClinVar aggregate classification (germline): Uncertain significance (1 of 4 stars; one submission).

Conditions:
Hereditary cancer-predisposing syndrome. Also called: Neoplastic Syndromes, Hereditary; Tumor predisposition; Hereditary Cancer Syndrome; Hereditary neoplastic syndrome. Identifiers: Orphanet 140162, MedGen C0027672, MeSH D009386, MONDO:0015356.

gnomAD v4.1: 1 of 1,612,744 alleles (0.000062%); highest among the groups gnomAD compares: Non-Finnish European, 0.000085%; no homozygotes.

Submission:

Ambry Genetics
Classification: Uncertain significance for Hereditary cancer-predisposing syndrome. Last evaluated: 2025-11-20. Review status: criteria provided, single submitter. Criteria: Ambry Variant Classification Scheme 2023. Collection method: clinical testing. Allele origin: germline.
Comment: The p.D366Y variant (also known as c.1096G>T), located in coding exon 10 of the PMS2 gene, results from a G to T substitution at nucleotide position 1096. The aspartic acid at codon 366 is replaced by tyrosine, an amino acid with highly dissimilar properties. This amino acid position is not well conserved in available vertebrate species. In addition, the in silico prediction for this alteration is inconclusive. Based on the available evidence, the clinical significance of this variant remains unclear.